The following is an entry in ClinVar:

NM_014516.4(CNOT3):c.119A>G (p.Gln40Arg)

Gene: CNOT3 (CCR4-NOT transcription complex subunit 3; plus strand). Cytogenetic location: 19q13.42.
Variant type: single nucleotide variant.
Coding change: c.119A>G on transcript NM_014516.4 (MANE Select); coding-DNA position 119, A replaced by G.
Protein change: p.Gln40Arg; replaces glutamine 40 with arginine.
Molecular consequence: missense variant.
Genome position (GRCh38, 1-based): chr19:54,143,467, A>G. VCF-style: chr19-54143467-A-G. GRCh37 (hg19) VCF-style: chr19-54647203-A-G.
Other names: short protein forms Q40R.
Identifiers: ClinVar variation 3656548 (VCV003656548.2).
Genomic context (GRCh38, chr19:54,143,467, plus strand): 5'-CCCACACTGACTTCTCAATTCTCTCCATCCCTCAGCTCCACAATGCAGCCAACGCGAACC[A>G]GAAAGAAAAGTATGAGGCTGACCTAAAGAAGGAGATTAAGAAGCTACAAGTGAGGGGGCT-3'
Protein context (NP_055331.1, residues 30-50): QKLHNAANAN[Gln40Arg]KEKYEADLKK

ClinVar aggregate classification (germline): Likely pathogenic (1 of 4 stars; one submission).

Submission:

Labcorp Genetics (formerly Invitae), Labcorp
Classification: Likely pathogenic. Last evaluated: 2024-06-13. Review status: criteria provided, single submitter. Criteria: Invitae Variant Classification Sherloc (09022015). Collection method: clinical testing. Allele origin: germline.
Comment: This sequence change replaces glutamine, which is neutral and polar, with arginine, which is basic and polar, at codon 40 of the CNOT3 protein (p.Gln40Arg). This variant is not present in population databases (gnomAD no frequency). This missense change has been observed in individual(s) with CNOT3-related conditions (Invitae). In at least one individual the variant was observed to be de novo. An algorithm developed to predict the effect of missense changes on protein structure and function (PolyPhen-2) suggests that this variant is likely to be disruptive. In summary, the currently available evidence indicates that the variant is pathogenic, but additional data are needed to prove that conclusively. Therefore, this variant has been classified as Likely Pathogenic.